The following is an entry in ClinVar:

ClinVar aggregate classification (germline): Uncertain significance (1 of 4 stars; one submission).

Allele frequency attached by ClinVar (database versions not stated): gnomAD exomes below 0.00001 and 0.00001; ExAC 0.00001.
gnomAD v4.1: 1 of 1,613,490 alleles (0.000062%); highest among the groups gnomAD compares: Non-Finnish European, 0.000085%; no homozygotes.

Submission:

Labcorp Genetics (formerly Invitae), Labcorp
Classification: Uncertain significance. Last evaluated: 2024-10-24. Review status: criteria provided, single submitter. Criteria: Invitae Variant Classification Sherloc (09022015). Collection method: clinical testing. Allele origin: germline.
Comment: This sequence change replaces valine, which is neutral and non-polar, with methionine, which is neutral and non-polar, at codon 417 of the ATRN protein (p.Val417Met). This variant is present in population databases (rs760018195, gnomAD 0.002%). This variant has not been reported in the literature in individuals affected with ATRN-related conditions. ClinVar contains an entry for this variant (Variation ID: 1478129). An algorithm developed to predict the effect of missense changes on protein structure and function (PolyPhen-2) suggests that this variant is likely to be disruptive. In summary, the available evidence is currently insufficient to determine the role of this variant in disease. Therefore, it has been classified as a Variant of Uncertain Significance.

NM_139321.3(ATRN):c.1249G>A (p.Val417Met)

Gene: ATRN (attractin; plus strand). Cytogenetic location: 20p13.
Variant type: single nucleotide variant.
Coding change: c.1249G>A on transcript NM_139321.3 (MANE Select); coding-DNA position 1249, G replaced by A.
Protein change: p.Val417Met; replaces valine 417 with methionine.
Molecular consequence: missense variant.
Genome position (GRCh38, 1-based): chr20:3,560,707, G>A. VCF-style: chr20-3560707-G-A. GRCh37 (hg19) VCF-style: chr20-3541354-G-A.
Other names: c.901G>A, p.Val301Met (NM_001207047.3); c.1249G>A, p.Val417Met (NM_001323332.2, NM_139322.4); short protein forms V417M, V301M.
Identifiers: ClinVar variation 1478129 (VCV001478129.8), dbSNP rs760018195, ClinGen allele CA9744011.